The following is an entry in ClinVar:

NM_000179.3(MSH6):c.1503dup (p.Ile502fs)

Gene: MSH6 (mutS homolog 6; plus strand). Cytogenetic location: 2p16.3.
Variant type: Duplication.
Coding change: c.1503dup on transcript NM_000179.3 (MANE Select); coding-DNA position 1503, one base duplicated (T; older notation c.1503dupT).
Protein change: p.Ile502fs; shifts the reading frame from isoleucine 502.
Molecular consequence: frameshift variant.
Genome position (GRCh38, 1-based): chr2:47,799,486, T duplicated. VCF-style (leftmost placement, unchanged base first): chr2-47799485-A-AT. GRCh37 (hg19) VCF-style: chr2-48026624-A-AT.
Other names: c.1113dup, p.Ile372fs (NM_001281492.2); c.597dup, p.Ile200fs (NM_001281493.2, NM_001281494.2); short protein forms I502fs, I200fs, I372fs.
Identifiers: ClinVar variation 937999 (VCV000937999.8), dbSNP rs1669339495, ClinGen allele CA1139655579.

ClinVar aggregate classification (germline): Pathogenic (1 of 4 stars; one submission).

Conditions:
Hereditary nonpolyposis colorectal neoplasms. Identifiers: MedGen C0009405, MeSH D003123.

Submission:

Labcorp Genetics (formerly Invitae), Labcorp
Classification: Pathogenic for Hereditary nonpolyposis colorectal neoplasms. Last evaluated: 2019-10-14. Review status: criteria provided, single submitter. Criteria: Invitae Variant Classification Sherloc (09022015). Collection method: clinical testing. Allele origin: germline.
Comment: This sequence change creates a premature translational stop signal (p.Ile502Tyrfs*5) in the MSH6 gene. It is expected to result in an absent or disrupted protein product. This variant is not present in population databases (ExAC no frequency). This variant has not been reported in the literature in individuals with MSH6-related conditions. Loss-of-function variants in MSH6 are known to be pathogenic (PMID: 18269114, 24362816). For these reasons, this variant has been classified as Pathogenic.

Literature cited by the submitters: PubMed 18269114; PubMed 24362816.